The following is an entry in ClinVar:

ClinVar aggregate classification (germline): Pathogenic/Likely pathogenic. Review status: criteria provided, multiple submitters, no conflicts (2 of 4 stars). 9 submissions from 9 submitters: Pathogenic (7); Likely pathogenic (1). 1 of the submissions does not count toward it. Last evaluated 2026-01-14.

Conditions:
Inborn genetic diseases. Identifiers: MedGen C0950123, MeSH D030342.
Okur-Chung neurodevelopmental syndrome (OCNDS). Identifiers: Orphanet 689422, MedGen C4310739, MONDO:0014893, OMIM 617062.

Submissions (9):

Women's Health and Genetics/Laboratory Corporation of America, LabCorp
Classification: Pathogenic for Okur-Chung neurodevelopmental syndrome. Last evaluated: 2026-01-14. Review status: criteria provided, single submitter. Criteria: LabCorp Variant Classification Summary - May 2015. Collection method: clinical testing. Allele origin: germline.
Comment: Variant summary: CSNK2A1 c.140G>A (p.Arg47Gln) results in a conservative amino acid change in the encoded protein sequence. Algorithms developed to predict the effect of missense changes on protein structure and function are either unavailable or do not agree on the potential impact of this missense change. The variant was absent in 250952 control chromosomes (gnomAD). c.140G>A has been observed in individuals affected with Okur-Chung Neurodevelopmental Syndrome, including de novo occurrences (Okur_2016, Owen_2018, Seo_2020, Blanc_2024). These data indicate that the variant is likely to be associated with disease. At least one publication reports experimental evidence evaluating an impact on protein function and this variant affects CSNK2A1 protein function (Dominguez_2021). The following publications have been ascertained in the context of this evaluation (PMID: 38711237, 33944995, 27048600, 29383814, 32901917). ClinVar contains an entry for this variant (Variation ID: 224796). Based on the evidence outlined above, the variant was classified as pathogenic.

3billion
Classification: Pathogenic for Okur-Chung neurodevelopmental syndrome. Last evaluated: 2025-10-02. Review status: criteria provided, single submitter. Criteria: ACMG Guidelines, 2015. Collection method: clinical testing. Allele origin: germline. Affected: yes.
Comment: The variant is not observed in the gnomAD v4.1.0 dataset. Predicted Consequence/Location: The variant is located in a mutational hot spot and/or well-established functional domain in which established pathogenic variants have been reported. In silico tool predictions suggest damaging effect of the variant on gene or gene product [3Cnet: 0.94 (> 0.75, sensitivity 0.96 and precision 0.92)]. The same nucleotide change resulting in the same amino acid change has been previously reported as pathogenic/likely pathogenic with strong evidence (ClinVar ID: VCV000224796 /PMID: 27048600 /3billion dataset). The variant has been previously reported as de novo in at least two similarly affected unrelated individuals (PMID: 27048600, 29240241, 29383814). The variant has been previously reported as assumed (i.e. paternity and maternity not confirmed) de novo in at least one similarly affected unrelated individual (3billion dataset). A different missense change at the same codon (p.Arg47Gly) has been reported to be associated with CSNK2A1-related disorder (ClinVar ID: VCV000280816). Therefore, this variant is classified as Pathogenic according to the recommendation of ACMG/AMP guideline.

Victorian Clinical Genetics Services, Murdoch Childrens Research Institute
Classification: Pathogenic for Okur-Chung neurodevelopmental syndrome. Last evaluated: 2024-09-20. Review status: criteria provided, single submitter. Criteria: ACMG Guidelines, 2015. Collection method: clinical testing. Allele origin: germline. Inheritance: Autosomal dominant inheritance. Affected: yes.
Comment: Based on the classification scheme VCGS_Germline_v1.3.4, this variant is classified as Pathogenic. Following criteria are met: 0102 - Loss of function is a known mechanism of disease in this gene and is associated with Okur-Chung neurodevelopmental syndrome (MIM#617062). The mechanism of missense variants is unclear. (I) 0107 - This gene is associated with autosomal dominant disease. (I) 0200 - Variant is predicted to result in a missense amino acid change from arginine to glutamine. (I) 0251 - This variant is heterozygous. (I) 0301 - Variant is absent from gnomAD (both v2 and v3). (SP) 0502 - Missense variant with conflicting in silico predictions and high conservation. (I) 0602 - Variant is located in a hotspot region or cluster of pathogenic variants (DECIPHER). (SP) 0801 - This variant has strong previous evidence of pathogenicity in unrelated individuals. This variant has been reported several times as likely pathogenic and pathogenic (ClinVar), and observed as de novo in multiple individuals with developmental delay (VCGS, DECIPHER, PMID: 27048600; PMID: 29383814). (SP) Legend: (SP) - Supporting pathogenic, (I) - Information, (SB) - Supporting benign

Laboratoire de Génétique Moléculaire, CHU Bordeaux
Classification: Pathogenic for Okur-Chung neurodevelopmental syndrome. Last evaluated: 2022-12-13. Review status: criteria provided, single submitter. Criteria: ACMG Guidelines, 2015. Collection method: clinical testing. Allele origin: germline. Affected: yes.

Mendelics
Classification: Pathogenic for Okur-Chung neurodevelopmental syndrome. Last evaluated: 2019-05-28. Review status: criteria provided, single submitter. Criteria: Mendelics Assertion Criteria 2017. Collection method: clinical testing. Allele origin: unknown.

Equipe Genetique des Anomalies du Developpement, Université de Bourgogne
Classification: Pathogenic for Okur-Chung neurodevelopmental syndrome. Last evaluated: 2017-06-26. Review status: criteria provided, single submitter. Criteria: ACMG Guidelines, 2015. Collection method: clinical testing. Allele origin: de novo. Affected: yes. Study: Clinvar_gadteam_Clinical_exome_analysis_3.

Ambry Genetics
Classification: Likely pathogenic for Inborn genetic diseases. Last evaluated: 2017-05-03. Review status: criteria provided, single submitter. Criteria: Ambry exome assertion method (8-5-2015). Collection method: clinical testing. Allele origin: germline. Affected: yes. Observed: 1 variant allele.

Diagnostics Division, CENTRE FOR DNA FINGERPRINTING AND DIAGNOSTICS
Classification: Pathogenic for Okur-Chung neurodevelopmental syndrome. Review status: criteria provided, single submitter. Criteria: ACMG Guidelines, 2015. Collection method: research. Allele origin: germline. Inheritance: Autosomal dominant inheritance. Affected: yes. Observed: 1 heterozygote.
Comment: This variant in the CSNK2A1 gene is classified as Pathogenic based on multiple lines of evidence. It is located in the Protein kinase domain and a known hot-spot region, both enriched with pathogenic variants, fulfilling PM1 (Strong). ClinVar classifies the variant as Pathogenic (2 stars), supported by high-confidence submissions and multiple publications, meeting PP5 (Strong). Additionally, an alternative variant (Arg47Gly) at the same residue is classified as Pathogenic, supporting PM5 (Moderate). The variant is absent in gnomAD genomes and exomes, fulfilling PM2 (Supporting), and in silico tools (MetaRNN = 0.796) predict a deleterious effect, fulfilling PP3 (Supporting). Together, these findings confirm the variant as Pathogenic per ACMG/AMP guidelines.

OMIM
Classification: Pathogenic for OKUR-CHUNG NEURODEVELOPMENTAL SYNDROME. Last evaluated: 2016-08-05. Review status: no assertion criteria provided. Collection method: literature only. Allele origin: germline. Not counted in ClinVar's aggregate classification.

Literature cited by the submitters: PubMed 32901917 (cited by Women's Health and Genetics/Laboratory Corporation of America, LabCorp); PubMed 38711237 (cited by Women's Health and Genetics/Laboratory Corporation of America, LabCorp); PubMed 33944995 (cited by Women's Health and Genetics/Laboratory Corporation of America, LabCorp); PubMed 27048600 (cited by 5 submitters); PubMed 29383814 (cited by 3 submitters); PubMed 29240241 (cited by 3billion); PubMed 28135719 (cited by Ambry Genetics); DOI 10.1097/MCD.0000000000000383 (cited by Diagnostics Division, CENTRE FOR DNA FINGERPRINTING AND DIAGNOSTICS).

NM_177559.3(CSNK2A1):c.140G>A (p.Arg47Gln)

Gene: CSNK2A1 (casein kinase 2 alpha 1; minus strand). Cytogenetic location: 20p13.
Variant type: single nucleotide variant.
Coding change: c.140G>A on transcript NM_177559.3 (MANE Select); coding-DNA position 140, G replaced by A.
Protein change: p.Arg47Gln; replaces arginine 47 with glutamine.
Molecular consequence: missense variant. On other transcripts: 5 prime UTR variant (1).
Genome position (GRCh38, 1-based): chr20:505,191, C>T on the plus strand (G>A on the coding strand, the complement: CSNK2A1 is on the minus strand). VCF-style: chr20-505191-C-T. GRCh37 (hg19) VCF-style: chr20-485835-C-T.
Other names: c.140G>A, p.Arg47Gln (NM_001362770.2, NM_001362771.2, NM_001895.4); c.-269G>A (NM_177560.3); short protein forms R47Q.
Identifiers: ClinVar variation 224796 (VCV000224796.13), dbSNP rs869312845, ClinGen allele CA358399.
Genomic context (GRCh38, chr20:505,191, plus strand): 5'-ACAACAACTTTTTCATTATTTGTGATGTTGATGGCTTCAAATACTTCACTGTATTTACCT[C>T]GGCCTAATTTTCGAACCAGCTGGTAGTCATCTTGATTTCTGTGGACACAAACAAAATGAC-3'
Protein context (NP_808227.1, residues 37-57): DDYQLVRKLG[Arg47Gln]GKYSEVFEAI